The following is an entry in ClinVar:

NM_002858.4(ABCD3):c.1276T>G (p.Leu426Val)

Gene: ABCD3 (ATP binding cassette subfamily D member 3; plus strand). Cytogenetic location: 1p21.3.
Variant type: single nucleotide variant.
Coding change: c.1276T>G on transcript NM_002858.4 (MANE Select); coding-DNA position 1276, T replaced by G.
Protein change: p.Leu426Val; replaces leucine 426 with valine.
Molecular consequence: missense variant.
Genome position (GRCh38, 1-based): chr1:94,489,929, T>G. VCF-style: chr1-94489929-T-G. GRCh37 (hg19) VCF-style: chr1-94955485-T-G.
Other names: short protein forms L426V.
Identifiers: ClinVar variation 2025795 (VCV002025795.4), dbSNP rs1457857990, ClinGen allele CA341304294.

ClinVar aggregate classification (germline): Uncertain significance (1 of 4 stars; one submission).

Allele frequency attached by ClinVar (database versions not stated): gnomAD exomes below 0.00001.
gnomAD v4.1: 3 of 1,613,264 alleles (0.00019%); highest among the groups gnomAD compares: Non-Finnish European, 0.00025%; no homozygotes.

Submission:

Labcorp Genetics (formerly Invitae), Labcorp
Classification: Uncertain significance. Last evaluated: 2022-09-05. Review status: criteria provided, single submitter. Criteria: Invitae Variant Classification Sherloc (09022015). Collection method: clinical testing. Allele origin: germline.
Comment: Algorithms developed to predict the effect of missense changes on protein structure and function are either unavailable or do not agree on the potential impact of this missense change (SIFT: "Deleterious"; PolyPhen-2: "Benign"; Align-GVGD: "Class C0"). This sequence change replaces leucine, which is neutral and non-polar, with valine, which is neutral and non-polar, at codon 426 of the ABCD3 protein (p.Leu426Val). This variant is present in population databases (no rsID available, gnomAD 0.0009%). This variant has not been reported in the literature in individuals affected with ABCD3-related conditions. In summary, the available evidence is currently insufficient to determine the role of this variant in disease. Therefore, it has been classified as a Variant of Uncertain Significance.